The following is an entry in ClinVar:

NM_015897.4(PIAS4):c.1164C>T (p.Ser388=)

Gene: PIAS4 (protein inhibitor of activated STAT 4; plus strand). Cytogenetic location: 19p13.3.
Variant type: single nucleotide variant.
Coding change: c.1164C>T on transcript NM_015897.4 (MANE Select); coding-DNA position 1164, C replaced by T.
Protein change: p.Ser388=; no amino-acid change (serine 388 retained).
Molecular consequence: synonymous variant.
Genome position (GRCh38, 1-based): chr19:4,037,395, C>T. VCF-style: chr19-4037395-C-T. GRCh37 (hg19) VCF-style: chr19-4037393-C-T.
Identifiers: ClinVar variation 3029264 (VCV003029264.2), dbSNP rs139844299, ClinGen allele CA9090154.

ClinVar aggregate classification (germline): Likely benign (0 of 4 stars; one submission).

Conditions:
PIAS4-related disorder. Also called: PIAS4-related condition.

Allele frequency attached by ClinVar (database versions not stated): ExAC 0.00001; gnomAD exomes 0.00001; TOPMed 0.00003; gnomAD 0.00004; ESP Exome Variant Server 0.00008.
gnomAD v4.1: 26 of 1,609,396 alleles (0.0016%); highest among the groups gnomAD compares: Middle Eastern, 0.017%; no homozygotes.

Submission:

PreventionGenetics, part of Exact Sciences
Classification: Likely benign for PIAS4-related condition. Last evaluated: 2023-12-01. Review status: no assertion criteria provided. Collection method: clinical testing. Allele origin: germline.
Comment: This variant is classified as likely benign based on ACMG/AMP sequence variant interpretation guidelines (Richards et al. 2015 PMID: 25741868, with internal and published modifications).